The following is an entry in ClinVar:

ClinVar aggregate classification (germline): Likely benign (1 of 4 stars; one submission).

Submission:

CeGaT Center for Human Genetics Tuebingen
Classification: Likely benign. Last evaluated: 2025-03-01. Review status: criteria provided, single submitter. Criteria: CeGaT Center For Human Genetics Tuebingen Variant Classification Criteria Version 2. Collection method: clinical testing. Allele origin: germline. Affected: yes. Observed: 1 variant allele.
Comment: FLG: BP4, BP7

NM_002016.2(FLG):c.9567C>T (p.Ala3189=)

Genes: CCDST (cervical cancer associated DHX9 suppressive transcript; plus strand), FLG (filaggrin; minus strand). Cytogenetic location: 1q21.3.
Variant type: single nucleotide variant.
Coding change: c.9567C>T on transcript NM_002016.2 (MANE Select); coding-DNA position 9567, C replaced by T.
Protein change: p.Ala3189=; no amino-acid change (alanine 3189 retained).
Molecular consequence: synonymous variant.
Genome position (GRCh38, 1-based): chr1:152,305,319, G>A on the plus strand (C>T on the coding strand, the complement: FLG is on the minus strand). VCF-style: chr1-152305319-G-A. GRCh37 (hg19) VCF-style: chr1-152277795-G-A.
Identifiers: ClinVar variation 3777888 (VCV003777888.7).